The following is an entry in ClinVar:

ClinVar aggregate classification (germline): Benign/Likely benign. Review status: criteria provided, multiple submitters, no conflicts (2 of 4 stars). 5 submissions from 5 submitters: Benign (1); Likely benign (4). Last evaluated 2026-06-01.

Allele frequency attached by ClinVar (database versions not stated): ExAC 0.00082; 1000 Genomes Project 30x 0.00109; 1000 Genomes Project 0.00120; gnomAD 0.00257 and 0.00277; ESP Exome Variant Server 0.00261; TOPMed 0.00306.
gnomAD v4.1: 782 of 1,614,118 alleles (0.048%); highest among the groups gnomAD compares: African/African-American, 0.92%; 7 homozygotes.

Submissions (5):

CeGaT Center for Human Genetics Tuebingen
Classification: Likely benign. Last evaluated: 2026-06-01. Review status: criteria provided, single submitter. Criteria: CeGaT Center For Human Genetics Tuebingen Variant Classification Criteria Version 2. Collection method: clinical testing. Allele origin: germline. Affected: yes. Observed: 2 variant alleles.
Comment: CDK5RAP2: BP4, BP7

Labcorp Genetics (formerly Invitae), Labcorp
Classification: Benign. Last evaluated: 2025-12-26. Review status: criteria provided, single submitter. Criteria: Invitae Variant Classification Sherloc (09022015). Collection method: clinical testing. Allele origin: germline.

Blueprint Genetics
Classification: Likely benign. Last evaluated: 2024-11-05. Review status: criteria provided, single submitter. Criteria: ACMG Guidelines, 2015. Collection method: clinical testing. Allele origin: germline.

GeneDx
Classification: Likely benign. Last evaluated: 2019-10-10. Review status: criteria provided, single submitter. Criteria: GeneDx Variant Classification Process June 2021. Collection method: clinical testing. Allele origin: germline. Affected: yes.

Genetic Services Laboratory, University of Chicago
Classification: Likely benign. Last evaluated: 2017-12-21. Review status: criteria provided, single submitter. Criteria: ACMG Guidelines, 2015. Collection method: clinical testing. Allele origin: germline. Affected: no.

NM_018249.6(CDK5RAP2):c.5355G>A (p.Thr1785=)

Gene: CDK5RAP2 (CDK5 regulatory subunit associated protein 2; minus strand). Cytogenetic location: 9q33.2.
Variant type: single nucleotide variant.
Coding change: c.5355G>A on transcript NM_018249.6 (MANE Select); coding-DNA position 5355, G replaced by A.
Protein change: p.Thr1785=; no amino-acid change (threonine 1785 retained).
Molecular consequence: synonymous variant. On other transcripts: non-coding transcript variant (5).
Genome position (GRCh38, 1-based): chr9:120,400,838, C>T on the plus strand (G>A on the coding strand, the complement: CDK5RAP2 is on the minus strand). VCF-style: chr9-120400838-C-T. GRCh37 (hg19) VCF-style: chr9-123163116-C-T.
Other names: c.5118G>A, p.Thr1706= (NM_001011649.3); c.4665G>A, p.Thr1555= (NM_001272039.2).
Identifiers: ClinVar variation 364746 (VCV000364746.43), dbSNP rs145402135, ClinGen allele CA5213294.
Genomic context (GRCh38, chr9:120,400,838, plus strand): 5'-GAGTGAGACTCTCCAGAGAAGCTTCAGCCGCCTGTAGGCCTCTTCCAGGGTCAGCTTGGC[C>T]GTGCTCACACTGCTCACAAACTTGCTCAGTGGTGCTGGGTGTGGACCCTACACGGGGGAT-3'
Protein context (NP_060719.4, residues 1775-1795): PLSKFVSSVS[Thr1785=]AKLTLEEAYR